The following is an entry in ClinVar:

ClinVar aggregate classification (germline): Pathogenic/Likely pathogenic. Review status: criteria provided, multiple submitters, no conflicts (2 of 4 stars). 5 submissions from 5 submitters: Pathogenic (1); Likely pathogenic (4). Last evaluated 2025-12-30.

Conditions:
Autosomal recessive polycystic kidney disease (ARPKD). Also called: AR polycystic kidney disease. Identifiers: Orphanet 731, Orphanet 8378, MedGen C0085548, MeSH D017044, MONDO:0009889.
Polycystic kidney disease 4 (PKD4). Also called: POLYCYSTIC KIDNEY AND HEPATIC DISEASE 1; POLYCYSTIC KIDNEY DISEASE, INFANTILE, TYPE I; POLYCYSTIC KIDNEY DISEASE 4 WITH OR WITHOUT POLYCYSTIC LIVER DISEASE; Autosomal Recessive Polycystic Kidney Disease – PKHD1; PKD3. Identifiers: MedGen C4540575, MONDO:0033004, OMIM 263200.

Allele frequency attached by ClinVar (database versions not stated): gnomAD exomes below 0.00001.

Submissions (5):

Dasa
Classification: Pathogenic. Last evaluated: 2025-12-30. Review status: criteria provided, single submitter. Criteria: DASA Assertion Criteria. Collection method: clinical testing. Allele origin: germline.
Comment: NM_138694.4(PKHD1):c.2946del (p.Cys983Valfs*14) introduces a premature termination codon predicted to result in loss of normal protein function. Loss-of-function is an established mechanism of disease for this gene. This variant has been observed in affected individuals with related phenotype in a genotype context consistent with recessive disease. The variant is present at low frequency in population datasets. Based on the available data, this variant is classified as pathogenic.

Natera, Inc.
Classification: Likely pathogenic for Autosomal recessive polycystic kidney disease. Last evaluated: 2025-07-17. Review status: criteria provided, single submitter. Criteria: Natera Variant Classification Schema (03/2026). Collection method: clinical testing. Allele origin: germline.
Comment: The c.2946delC variant in PKHD1 is a frameshift variant predicted to shift the reading frame beginning at codon 983 and leads to a stop codon 14 codons downstream. This variant is expected to result in nonsense mediated decay, truncation, or a dysfunctional protein product. This variant is rare in the general population with a frequency below the threshold expected for the associated phenotype(s). Given the available evidence, this variant is classified as Likely Pathogenic.

Fulgent Genetics
Classification: Likely pathogenic for Polycystic kidney disease 4. Last evaluated: 2024-03-06. Review status: criteria provided, single submitter. Criteria: ACMG Guidelines, 2015. Collection method: clinical testing. Allele origin: germline.

Baylor Genetics
Classification: Likely pathogenic for Polycystic kidney disease 4. Last evaluated: 2023-08-29. Review status: criteria provided, single submitter. Criteria: ACMG Guidelines, 2015. Collection method: clinical testing. Allele origin: unknown.

Mendelics
Classification: Likely pathogenic for Polycystic kidney disease 4. Last evaluated: 2019-05-28. Review status: criteria provided, single submitter. Criteria: Mendelics Assertion Criteria 2017. Collection method: clinical testing. Allele origin: unknown.

NM_138694.4(PKHD1):c.2946del (p.Cys983fs)

Gene: PKHD1 (PKHD1 ciliary IPT domain containing fibrocystin/polyductin; minus strand). Cytogenetic location: 6p12.2.
Variant type: Deletion.
Coding change: c.2946del on transcript NM_138694.4 (MANE Select); coding-DNA position 2946, one base deleted (C; older notation c.2946delC).
Protein change: p.Cys983fs; shifts the reading frame from cysteine 983.
Molecular consequence: frameshift variant.
Genome position (GRCh38, 1-based): chr6:52,043,010, G deleted on the plus strand (C on the coding strand, the reverse complement: PKHD1 is on the minus strand). VCF-style (leftmost placement, unchanged base first): chr6-52043009-AG-A. GRCh37 (hg19) VCF-style: chr6-51907807-AG-A.
Other names: c.2946delC (NM_138694.3); c.2946del, p.Cys983fs (NM_170724.3); short protein forms C983fs.
Identifiers: ClinVar variation 802226 (VCV000802226.6), dbSNP rs1581910835, ClinGen allele CA915944285.